The following is an entry in ClinVar:

NM_017617.5(NOTCH1):c.1808_1810del (p.Asn603del)

Gene: NOTCH1 (notch receptor 1; minus strand). Cytogenetic location: 9q34.3.
Variant type: Deletion.
Coding change: c.1808_1810del on transcript NM_017617.5 (MANE Select); coding-DNA positions 1808 to 1810, 3 bases deleted (ACA; older notation c.1808_1810delACA).
Protein change: p.Asn603del; deletes asparagine 603.
Genome position (GRCh38, 1-based): chr9:136,515,576-136,515,578, TGT deleted on the plus strand (ACA on the coding strand, the reverse complement: NOTCH1 is on the minus strand); deleting any 3 consecutive bases within chr9:136,515,576-136,515,580 gives the same sequence; the c. name uses the placement nearest the transcript's 3' end. VCF-style (leftmost placement, unchanged base first): chr9-136515575-ATGT-A. GRCh37 (hg19) VCF-style: chr9-139410027-ATGT-A.
Other names: short protein forms N603del.
Identifiers: ClinVar variation 3690907 (VCV003690907.2).

ClinVar aggregate classification (germline): Uncertain significance (1 of 4 stars; one submission).

Conditions:
Adams-Oliver syndrome 5 (AOS5). Identifiers: Orphanet 974, MedGen C4014970, MONDO:0014459, OMIM 616028.

Submission:

Labcorp Genetics (formerly Invitae), Labcorp
Classification: Uncertain significance for Adams-Oliver syndrome 5. Last evaluated: 2024-06-25. Review status: criteria provided, single submitter. Criteria: Invitae Variant Classification Sherloc (09022015). Collection method: clinical testing. Allele origin: germline.
Comment: This variant, c.1808_1810del, results in the deletion of 1 amino acid(s) of the NOTCH1 protein (p.Asn603del), but otherwise preserves the integrity of the reading frame. This variant is not present in population databases (gnomAD no frequency). This variant has not been reported in the literature in individuals affected with NOTCH1-related conditions. Experimental studies and prediction algorithms are not available or were not evaluated, and the functional significance of this variant is currently unknown. In summary, the available evidence is currently insufficient to determine the role of this variant in disease. Therefore, it has been classified as a Variant of Uncertain Significance.